The following is an entry in ClinVar:

NM_005591.4(MRE11):c.1849A>G (p.Asn617Asp)

Gene: MRE11 (MRE11 double strand break repair nuclease; minus strand). Cytogenetic location: 11q21.
Variant type: single nucleotide variant.
Coding change: c.1849A>G on transcript NM_005591.4 (MANE Select); coding-DNA position 1849, A replaced by G.
Protein change: p.Asn617Asp; replaces asparagine 617 with aspartic acid.
Molecular consequence: missense variant. On other transcripts: intron variant (1).
Genome position (GRCh38, 1-based): chr11:94,445,828, T>C on the plus strand (A>G on the coding strand, the complement: MRE11 is on the minus strand). VCF-style: chr11-94445828-T-C. GRCh37 (hg19) VCF-style: chr11-94178994-T-C.
Other names: c.1846A>G, p.Asn616Asp (NM_001330347.2); c.1783+1391A>G (NM_005590.4); short protein forms N616D, N617D.
Identifiers: ClinVar variation 1799666 (VCV001799666.2), dbSNP rs754030585, ClinGen allele CA226523712.

ClinVar aggregate classification (germline): Uncertain significance (1 of 4 stars; one submission).

Conditions:
Hereditary cancer-predisposing syndrome. Also called: Neoplastic Syndromes, Hereditary; Tumor predisposition; Hereditary Cancer Syndrome; Hereditary neoplastic syndrome. Identifiers: Orphanet 140162, MedGen C0027672, MeSH D009386, MONDO:0015356.

Allele frequency attached by ClinVar (database versions not stated): gnomAD exomes below 0.00001.
gnomAD v4.1: 1 of 1,612,780 alleles (0.000062%); highest among the groups gnomAD compares: Non-Finnish European, 0.000085%; no homozygotes.

Submission:

Ambry Genetics
Classification: Uncertain significance for Hereditary cancer-predisposing syndrome. Last evaluated: 2017-10-10. Review status: criteria provided, single submitter. Criteria: Ambry Variant Classification Scheme 2023. Collection method: clinical testing. Allele origin: germline.
Comment: The p.N617D variant (also known as c.1849A>G), located in coding exon 15 of the MRE11A gene, results from an A to G substitution at nucleotide position 1849. The asparagine at codon 617 is replaced by aspartic acid, an amino acid with highly similar properties. This amino acid position is highly conserved in available vertebrate species. In addition, this alteration is predicted to be tolerated by in silico analysis. Since supporting evidence is limited at this time, the clinical significance of this alteration remains unclear.